The following is an entry in ClinVar:

ClinVar aggregate classification (germline): Likely pathogenic (1 of 4 stars; one submission).

Conditions:
Gorlin syndrome. Also called: Nevoid Basal Cell Carcinoma Syndrome; Basal cell nevus syndrome. Identifiers: Orphanet 377, MedGen C0004779, MONDO:0007187.

Submission:

Labcorp Genetics (formerly Invitae), Labcorp
Classification: Likely pathogenic for Gorlin syndrome. Last evaluated: 2023-12-08. Review status: criteria provided, single submitter. Criteria: Invitae Variant Classification Sherloc (09022015). Collection method: clinical testing. Allele origin: germline.
Comment: This sequence change affects a splice site in intron 14 of the PTCH1 gene. It is expected to disrupt RNA splicing. Variants that disrupt the donor or acceptor splice site typically lead to a loss of protein function (PMID: 16199547), and loss-of-function variants in PTCH1 are known to be pathogenic (PMID: 16301862, 16419085). This variant is not present in population databases (gnomAD no frequency). This variant has not been reported in the literature in individuals affected with PTCH1-related conditions. In summary, the currently available evidence indicates that the variant is pathogenic, but additional data are needed to prove that conclusively. Therefore, this variant has been classified as Likely Pathogenic.

Literature cited by the submitters: PubMed 16199547; PubMed 16301862; PubMed 16419085.

NM_000264.5(PTCH1):c.2251-27_2251-1del

Genes: PTCH1 (patched 1; minus strand), LOC100507346 (uncharacterized LOC100507346; plus strand). Cytogenetic location: 9q22.32.
Variant type: Deletion.
Coding change: c.2251-27_2251-1del on transcript NM_000264.5 (MANE Select); 27 bases into the intron before coding-DNA position 2251 through the canonical splice acceptor site of the intron before coding-DNA position 2251, 27 bases deleted (TCTGACCTTGTGCCTCTTCTGTTCCAG).
Molecular consequence: splice acceptor variant.
Genome position (GRCh38, 1-based): chr9:95,467,426-95,467,452, CTGGAACAGAAGAGGCACAAGGTCAGA deleted on the plus strand (TCTGACCTTGTGCCTCTTCTGTTCCAG on the coding strand, the reverse complement: PTCH1 is on the minus strand); deleting any 27 consecutive bases within chr9:95,467,426-95,467,453 gives the same sequence; the c. name uses the placement nearest the transcript's 3' end. VCF-style (leftmost placement, unchanged base first): chr9-95467425-CCTGGAACAGAAGAGGCACAAGGTCAGA-C. GRCh37 (hg19) VCF-style: chr9-98229707-CCTGGAACAGAAGAGGCACAAGGTCAGA-C.
Other names: c.2248-27_2248-1del (NM_001083603.3); c.2053-27_2053-1del (NM_001083602.3); c.2095-27_2095-1del (NM_001354918.2); c.1798-27_1798-1del (NM_001083605.3, NM_001083604.3, NM_001083606.3 and 1 more transcripts).
Identifiers: ClinVar variation 2772004 (VCV002772004.3), dbSNP rs2538134289, ClinGen allele CA2697557856.
Genomic context (GRCh38, chr9:95,467,425, plus strand): 5'-CTCGGGTGGTGCCATAAAGGCTGACCCCCAGCAAGCCCAGAAAAAGGAAGATCACCACTA[CCTGGAACAGAAGAGGCACAAGGTCAGA>C]CCCCAGGGAGCACCACTGACTCTTCCTGGACAAAGAGAAGCTGTCTAGTTAATACCTTGT-3'